The following is an entry in ClinVar:

ClinVar aggregate classification (germline): Uncertain significance (1 of 4 stars; one submission).

gnomAD v4.1: 1 of 1,547,780 alleles (0.000065%); highest among the groups gnomAD compares: African/African-American, 0.0014%; no homozygotes.

Submission:

GeneDx
Classification: Uncertain significance. Last evaluated: 2025-02-24. Review status: criteria provided, single submitter. Criteria: GeneDx Variant Classification Process June 2021. Collection method: clinical testing. Allele origin: germline. Affected: yes.
Comment: Not observed at significant frequency in large population cohorts (gnomAD); In silico analysis indicates that this missense variant does not alter protein structure/function; Has not been previously published as pathogenic or benign to our knowledge

NM_001162501.2(TNRC6B):c.3551G>C (p.Gly1184Ala)

Gene: TNRC6B (trinucleotide repeat containing adaptor 6B; plus strand). Cytogenetic location: 22q13.1.
Variant type: single nucleotide variant.
Coding change: c.3551G>C on transcript NM_001162501.2 (MANE Select); coding-DNA position 3551, G replaced by C.
Protein change: p.Gly1184Ala; replaces glycine 1184 with alanine.
Molecular consequence: missense variant. On other transcripts: intron variant (2).
Genome position (GRCh38, 1-based): chr22:40,281,258, G>C. VCF-style: chr22-40281258-G-C. GRCh37 (hg19) VCF-style: chr22-40677262-G-C.
Other names: c.1170+1115G>C (NM_001024843.2); c.3252+1115G>C (NM_015088.3); short protein forms G1184A.
Identifiers: ClinVar variation 4076527 (VCV004076527.1).
Genomic context (GRCh38, chr22:40,281,258, plus strand): 5'-ACAAGCTGTCTCCCTCTGGTTCCACACTACCCAACGTCAGCCTTGGAGCAATCGGCACAG[G>C]GCTCAACCCCCAAAACTTCGCTGCTAGACAAGTAAGGAGGCCTCTCAAATTTATAACTGC-3'
Protein context (NP_001155973.1, residues 1174-1194): PNVSLGAIGT[Gly1184Ala]LNPQNFAARQ